The following is an entry in ClinVar:

ClinVar aggregate classification (germline): Benign/Likely benign. Review status: criteria provided, multiple submitters, no conflicts (2 of 4 stars). 4 submissions from 4 submitters: Benign (1); Likely benign (1). 2 of the submissions do not count toward it. Last evaluated 2025-12-21.

Conditions:
Pulmonary fibrosis and/or bone marrow failure, Telomere-related, 3. Also called: PULMONARY FIBROSIS AND/OR BONE MARROW FAILURE SYNDROME, TELOMERE-RELATED, 3. Identifiers: Orphanet 2032, MedGen C4225346, MONDO:0014613, OMIM 616373.
Dyskeratosis congenita, autosomal recessive 5 (DKCB5). Identifiers: MedGen C3554656, MONDO:0014076, OMIM 615190.
RTEL1-related disorder. Also called: RTEL1-related disorders; RTEL1-related condition.
Dyskeratosis congenita. Identifiers: Orphanet 1775, MedGen C0265965, MONDO:0015780.

Allele frequency attached by ClinVar (database versions not stated): gnomAD 0.00001; TOPMed 0.00008; ExAC 0.00019; gnomAD exomes 0.00021.
gnomAD v4.1: 40 of 1,611,574 alleles (0.0025%); highest among the groups gnomAD compares: East Asian, 0.082%; no homozygotes.

Submissions (4):

Labcorp Genetics (formerly Invitae), Labcorp
Classification: Benign for Dyskeratosis congenita, autosomal recessive 5; Pulmonary fibrosis and/or bone marrow failure, Telomere-related, 3. Last evaluated: 2025-12-21. Review status: criteria provided, single submitter. Criteria: Invitae Variant Classification Sherloc (09022015). Collection method: clinical testing. Allele origin: germline.

Blueprint Genetics
Classification: Likely benign. Last evaluated: 2024-09-09. Review status: criteria provided, single submitter. Criteria: ACMG Guidelines, 2015. Collection method: clinical testing. Allele origin: germline.

PreventionGenetics, part of Exact Sciences
Classification: Likely benign for RTEL1-related condition. Last evaluated: 2023-03-14. Review status: no assertion criteria provided. Collection method: clinical testing. Allele origin: germline. Not counted in ClinVar's aggregate classification.
Comment: This variant is classified as likely benign based on ACMG/AMP sequence variant interpretation guidelines (Richards et al. 2015 PMID: 25741868, with internal and published modifications).

Natera, Inc.
Classification: Uncertain significance for Dyskeratosis congenita. Last evaluated: 2020-03-11. Review status: no assertion criteria provided. Collection method: clinical testing. Allele origin: germline. Not counted in ClinVar's aggregate classification.

NM_001283009.2(RTEL1):c.1482-10C>G

Genes: RTEL1 (regulator of telomere elongation helicase 1; plus strand), RTEL1-TNFRSF6B (RTEL1-TNFRSF6B readthrough (NMD candidate); plus strand). Cytogenetic location: 20q13.33.
Variant type: single nucleotide variant.
Coding change: c.1482-10C>G on transcript NM_001283009.2 (MANE Select); 10 bases into the intron before coding-DNA position 1482, C replaced by G.
Molecular consequence: intron variant.
Genome position (GRCh38, 1-based): chr20:63,687,927, C>G. VCF-style: chr20-63687927-C-G. GRCh37 (hg19) VCF-style: chr20-62319280-C-G.
Other names: c.813-10C>G (NM_001283010.1); c.1554-10C>G (NM_032957.5); c.1482-10C>G (NM_016434.4).
Identifiers: ClinVar variation 745495 (VCV000745495.15), dbSNP rs754623770, ClinGen allele CA9964825.